The following is an entry in ClinVar:

NM_005591.4(MRE11):c.1883G>T (p.Arg628Ile)

Gene: MRE11 (MRE11 double strand break repair nuclease; minus strand). Cytogenetic location: 11q21.
Variant type: single nucleotide variant.
Coding change: c.1883G>T on transcript NM_005591.4 (MANE Select); coding-DNA position 1883, G replaced by T.
Protein change: p.Arg628Ile; replaces arginine 628 with isoleucine.
Molecular consequence: missense variant.
Genome position (GRCh38, 1-based): chr11:94,437,220, C>A on the plus strand (G>T on the coding strand, the complement: MRE11 is on the minus strand). VCF-style: chr11-94437220-C-A. GRCh37 (hg19) VCF-style: chr11-94170386-C-A.
Other names: c.1880G>T, p.Arg627Ile (NM_001330347.2); c.1799G>T, p.Arg600Ile (NM_005590.4); short protein forms R628I, R627I, R600I.
Identifiers: ClinVar variation 3397898 (VCV003397898.1).

ClinVar aggregate classification (germline): Uncertain significance (1 of 4 stars; one submission).

Conditions:
Hereditary cancer-predisposing syndrome. Also called: Hereditary Cancer Syndrome; Tumor predisposition; Hereditary neoplastic syndrome; Neoplastic Syndromes, Hereditary. Identifiers: Orphanet 140162, MedGen C0027672, MeSH D009386, MONDO:0015356.

Submission:

Ambry Genetics
Classification: Uncertain significance for Hereditary cancer-predisposing syndrome. Last evaluated: 2024-12-08. Review status: criteria provided, single submitter. Criteria: Ambry Variant Classification Scheme 2023. Collection method: clinical testing. Allele origin: germline.
Comment: The p.R628I variant (also known as c.1883G>T), located in coding exon 16 of the MRE11A gene, results from a G to T substitution at nucleotide position 1883. The arginine at codon 628 is replaced by isoleucine, an amino acid with similar properties. This amino acid position is conserved. In addition, the in silico prediction for this alteration is inconclusive. Based on the available evidence, the clinical significance of this variant remains unclear.